The following is an entry in ClinVar:

NM_004356.4(CD81):c.238T>C (p.Cys80Arg)

Gene: CD81 (CD81 molecule; plus strand). Cytogenetic location: 11p15.5.
Variant type: single nucleotide variant.
Coding change: c.238T>C on transcript NM_004356.4 (MANE Select); coding-DNA position 238, T replaced by C.
Protein change: p.Cys80Arg; replaces cysteine 80 with arginine.
Molecular consequence: missense variant.
Genome position (GRCh38, 1-based): chr11:2,394,151, T>C. VCF-style: chr11-2394151-T-C. GRCh37 (hg19) VCF-style: chr11-2415381-T-C.
Other names: c.25T>C, p.Cys9Arg (NM_001297649.2, NM_001425129.1, NM_001425130.1 and 4 more transcripts); c.238T>C, p.Cys80Arg (NM_001425135.1, NM_001425137.1); short protein forms C80R, C9R.
Identifiers: ClinVar variation 4711740 (VCV004711740.1).

ClinVar aggregate classification (germline): Uncertain significance (1 of 4 stars; one submission).

Submission:

Labcorp Genetics (formerly Invitae), Labcorp
Classification: Uncertain significance. Last evaluated: 2025-03-27. Review status: criteria provided, single submitter. Criteria: Invitae Variant Classification Sherloc (09022015). Collection method: clinical testing. Allele origin: germline.
Comment: This sequence change replaces cysteine, which is neutral and slightly polar, with arginine, which is basic and polar, at codon 80 of the CD81 protein (p.Cys80Arg). This variant is not present in population databases (gnomAD no frequency). This variant has not been reported in the literature in individuals affected with CD81-related conditions. An algorithm developed to predict the effect of missense changes on protein structure and function (PolyPhen-2) suggests that this variant is likely to be disruptive. In summary, the available evidence is currently insufficient to determine the role of this variant in disease. Therefore, it has been classified as a Variant of Uncertain Significance.